The following is an entry in ClinVar:

ClinVar aggregate classification (germline): Likely pathogenic (1 of 4 stars; one submission).

Conditions:
Mega-corpus-callosum syndrome with cerebellar hypoplasia and cortical malformations. Identifiers: MedGen C4748927, MONDO:0032648, OMIM 618273.

Submission:

Dubai Health Genomic Medicine Center, Dubai Health
Classification: Likely pathogenic for Mega-corpus-callosum syndrome with cerebellar hypoplasia and cortical malformations. Last evaluated: 2024-10-04. Review status: criteria provided, single submitter. Criteria: ACMG Guidelines, 2015. Collection method: research. Allele origin: germline. Affected: yes.
Comment: PM2,PP3,PM6,PP2

NM_014975.3(MAST1):c.3539T>G (p.Leu1180Arg)

Gene: MAST1 (microtubule associated serine/threonine kinase 1; plus strand). Cytogenetic location: 19p13.13.
Variant type: single nucleotide variant.
Coding change: c.3539T>G on transcript NM_014975.3 (MANE Select); coding-DNA position 3539, T replaced by G.
Protein change: p.Leu1180Arg; replaces leucine 1180 with arginine.
Molecular consequence: missense variant.
Genome position (GRCh38, 1-based): chr19:12,873,696, T>G. VCF-style: chr19-12873696-T-G. GRCh37 (hg19) VCF-style: chr19-12984510-T-G.
Other names: short protein forms L1180R.
Identifiers: ClinVar variation 3384036 (VCV003384036.1).